The following is an entry in ClinVar:

NM_080860.4(RSPH1):c.638A>C (p.Gln213Pro)

Gene: RSPH1 (radial spoke head component 1; minus strand). Cytogenetic location: 21q22.3.
Variant type: single nucleotide variant.
Coding change: c.638A>C on transcript NM_080860.4 (MANE Select); coding-DNA position 638, A replaced by C.
Protein change: p.Gln213Pro; replaces glutamine 213 with proline.
Molecular consequence: missense variant.
Genome position (GRCh38, 1-based): chr21:42,477,380, T>G on the plus strand (A>C on the coding strand, the complement: RSPH1 is on the minus strand). VCF-style: chr21-42477380-T-G. GRCh37 (hg19) VCF-style: chr21-43897490-T-G.
Other names: c.638A>C (NM_080860.2); c.524A>C, p.Gln175Pro (NM_001286506.2); short protein forms Q175P, Q213P.
Identifiers: ClinVar variation 1492663 (VCV001492663.7), dbSNP rs1403144349, ClinGen allele CA410363549.

ClinVar aggregate classification (germline): Uncertain significance. Review status: criteria provided, multiple submitters, no conflicts (2 of 4 stars). 2 submissions from 2 submitters: Uncertain significance (2). Last evaluated 2025-07-02.

Conditions:
Inborn genetic diseases. Identifiers: MedGen C0950123, MeSH D030342.
Primary ciliary dyskinesia. Also called: Ciliary dyskinesia. Identifiers: Orphanet 244, MedGen C0008780, MONDO:0016575, HP:0012265.

gnomAD v4.1: 1 of 1,614,190 alleles (0.000062%); highest among the groups gnomAD compares: Non-Finnish European, 0.000085%; no homozygotes.

Submissions (2):

Labcorp Genetics (formerly Invitae), Labcorp
Classification: Uncertain significance for Primary ciliary dyskinesia. Last evaluated: 2025-07-02. Review status: criteria provided, single submitter. Criteria: Invitae Variant Classification Sherloc (09022015). Collection method: clinical testing. Allele origin: germline.
Comment: This sequence change replaces glutamine, which is neutral and polar, with proline, which is neutral and non-polar, at codon 213 of the RSPH1 protein (p.Gln213Pro). This variant is not present in population databases (gnomAD no frequency). This variant has not been reported in the literature in individuals affected with RSPH1-related conditions. ClinVar contains an entry for this variant (Variation ID: 1492663). An algorithm developed to predict the effect of missense changes on protein structure and function (PolyPhen-2) suggests that this variant is likely to be tolerated. In summary, the available evidence is currently insufficient to determine the role of this variant in disease. Therefore, it has been classified as a Variant of Uncertain Significance.

Ambry Genetics
Classification: Uncertain significance for Inborn genetic diseases. Last evaluated: 2021-07-09. Review status: criteria provided, single submitter. Criteria: Ambry Variant Classification Scheme 2023. Collection method: clinical testing. Allele origin: germline.